The following is an entry in ClinVar:

ClinVar aggregate classification (germline): Uncertain significance (1 of 4 stars; one submission).

Submission:

GeneDx
Classification: Uncertain significance. Last evaluated: 2026-10-04. Review status: criteria provided, single submitter. Criteria: GeneDx Variant Classification Process June 2021. Collection method: clinical testing. Allele origin: germline.
Comment: Has not been previously published as pathogenic or benign to our knowledge; Not observed at significant frequency in large population cohorts (gnomAD); In silico analysis suggests that this missense variant does not alter protein structure/function

NM_031407.7(HUWE1):c.8284C>G (p.Leu2762Val)

Gene: HUWE1 (HECT, UBA and WWE domain containing E3 ubiquitin protein ligase 1; minus strand). Cytogenetic location: Xp11.22.
Variant type: single nucleotide variant.
Coding change: c.8284C>G on transcript NM_031407.7 (MANE Select); coding-DNA position 8284, C replaced by G.
Protein change: p.Leu2762Val; replaces leucine 2762 with valine.
Molecular consequence: missense variant.
Genome position (GRCh38, 1-based): chrX:53,554,843, G>C on the plus strand (C>G on the coding strand, the complement: HUWE1 is on the minus strand). VCF-style: chrX-53554843-G-C. GRCh37 (hg19) VCF-style: chrX-53581804-G-C.
Other names: c.8281C>G, p.Leu2761Val (NM_001441048.1, NM_001441051.1, NM_001441053.1 and 2 more transcripts); c.8284C>G, p.Leu2762Val (NM_001441049.1, NM_001441054.1, NM_001441057.1); c.8305C>G, p.Leu2769Val (NM_001441050.1, NM_001441055.1); c.7882C>G, p.Leu2628Val (NM_001441052.1); short protein forms L2762V, L2769V, L2761V, L2628V.
Identifiers: ClinVar variation 5009348 (VCV005009348.2).